The following is an entry in ClinVar:

NM_016123.4(IRAK4):c.1109T>C (p.Ile370Thr)

Gene: IRAK4 (interleukin 1 receptor associated kinase 4; plus strand). Cytogenetic location: 12q12.
Variant type: single nucleotide variant.
Coding change: c.1109T>C on transcript NM_016123.4 (MANE Select); coding-DNA position 1109, T replaced by C.
Protein change: p.Ile370Thr; replaces isoleucine 370 with threonine.
Molecular consequence: missense variant.
Genome position (GRCh38, 1-based): chr12:43,782,474, T>C. VCF-style: chr12-43782474-T-C. GRCh37 (hg19) VCF-style: chr12-44176277-T-C.
Other names: c.1109T>C, p.Ile370Thr (NM_001114182.3, NM_001351345.2); c.737T>C, p.Ile246Thr (NM_001145256.2, NM_001145257.2, NM_001145258.2 and 5 more transcripts); c.500T>C, p.Ile167Thr (NM_001351343.2, NM_001351344.2); short protein forms I167T, I246T, I370T.
Identifiers: ClinVar variation 1399906 (VCV001399906.6), dbSNP rs372448559, ClinGen allele CA6522572.

ClinVar aggregate classification (germline): Uncertain significance (1 of 4 stars; one submission).

Conditions:
Immunodeficiency 67. Also called: Immunodeficiency due to interleukin-1 receptor-associated kinase-4 deficiency. Identifiers: Orphanet 70592, MedGen C1843256, MONDO:0011888, OMIM 607676.

Allele frequency attached by ClinVar (database versions not stated): gnomAD exomes 0.00002 and below 0.00001; ESP Exome Variant Server 0.00008; TOPMed below 0.00001; ExAC 0.00001; gnomAD 0.00001.

Submission:

Labcorp Genetics (formerly Invitae), Labcorp
Classification: Uncertain significance for Immunodeficiency 67. Last evaluated: 2021-09-17. Review status: criteria provided, single submitter. Criteria: Invitae Variant Classification Sherloc (09022015). Collection method: clinical testing. Allele origin: germline.
Comment: In summary, the available evidence is currently insufficient to determine the role of this variant in disease. Therefore, it has been classified as a Variant of Uncertain Significance. Algorithms developed to predict the effect of missense changes on protein structure and function are either unavailable or do not agree on the potential impact of this missense change (SIFT: "Deleterious"; PolyPhen-2: "Probably Damaging"; Align-GVGD: "Class C0"). This variant has not been reported in the literature in individuals affected with IRAK4-related conditions. This variant is present in population databases (rs372448559, ExAC 0.002%). This sequence change replaces isoleucine with threonine at codon 370 of the IRAK4 protein (p.Ile370Thr). The isoleucine residue is moderately conserved and there is a moderate physicochemical difference between isoleucine and threonine.